The following is an entry in ClinVar:

ClinVar aggregate classification (germline): Conflicting classifications of pathogenicity. Review status: criteria provided, conflicting classifications (1 of 4 stars). 8 submissions from 8 submitters: Uncertain significance (3); Benign (1); Likely benign (3). 1 of the submissions does not count toward it. Last evaluated 2026-09-01.

Conditions:
Autosomal recessive nonsyndromic hearing loss 84B. Also called: Deafness, autosomal recessive 84b. Identifiers: Orphanet 90636, MedGen C3554159, MONDO:0013984, OMIM 614944.
OTOGL-related disorder. Also called: OTOGL-related condition.

Allele frequency attached by ClinVar (database versions not stated): ESP Exome Variant Server 0.00116; TOPMed 0.00118; gnomAD 0.00176 and 0.00195; gnomAD exomes 0.00188 and 0.00225; ExAC 0.00229.
gnomAD v4.1: 3,506 of 1,612,464 alleles (0.22%); highest among the groups gnomAD compares: Non-Finnish European, 0.26%; 7 homozygotes.

Submissions (8):

CeGaT Center for Human Genetics Tuebingen
Classification: Likely benign. Last evaluated: 2026-09-01. Review status: criteria provided, single submitter. Criteria: CeGaT Center For Human Genetics Tuebingen Variant Classification Criteria Version 2. Collection method: clinical testing. Allele origin: germline. Affected: yes. Observed: 3 variant alleles.
Comment: OTOGL: BS2

Labcorp Genetics (formerly Invitae), Labcorp
Classification: Benign. Last evaluated: 2025-12-20. Review status: criteria provided, single submitter. Criteria: Invitae Variant Classification Sherloc (09022015). Collection method: clinical testing. Allele origin: germline.

Blueprint Genetics
Classification: Likely benign. Last evaluated: 2024-11-22. Review status: criteria provided, single submitter. Criteria: ACMG Guidelines, 2015. Collection method: clinical testing. Allele origin: germline.

GeneDx
Classification: Uncertain significance. Last evaluated: 2021-09-20. Review status: criteria provided, single submitter. Criteria: GeneDx Variant Classification Process June 2021. Collection method: clinical testing. Allele origin: germline. Affected: yes.
Comment: Has not been previously reported in association with hearing loss to our knowledge; In silico analysis supports that this missense variant has a deleterious effect on protein structure/function; This variant is associated with the following publications: (PMID: 23486545)

Baylor Genetics
Classification: Uncertain significance for Autosomal recessive nonsyndromic hearing loss 84B. Last evaluated: 2018-07-16. Review status: criteria provided, single submitter. Criteria: ACMG Guidelines, 2015. Collection method: clinical testing. Allele origin: unknown. Affected: yes.
Comment: This variant was determined to be of uncertain significance according to ACMG Guidelines, 2015 [PMID:25741868].

Laboratory for Molecular Medicine, Mass General Brigham Personalized Medicine
Classification: Likely benign. Last evaluated: 2017-05-25. Review status: criteria provided, single submitter. Criteria: LMM Criteria. Collection method: clinical testing. Allele origin: germline. Observed: 5 variant alleles.
Comment: p.Asp1154Gly in exon 30 of OTOGL: This variant is not expected to have clinical significance because it has been identified in 0.3% (408/124060) of European chr omosomes including 1 homozygote by the Genome Aggregation Database (gnomAD; dbSNP rs202085918).

Eurofins Ntd Llc (ga)
Classification: Uncertain significance. Last evaluated: 2017-04-03. Review status: criteria provided, single submitter. Criteria: EGL Classification Definitions 2015. Collection method: clinical testing. Allele origin: germline. Observed: 3 variant alleles, 3 heterozygotes.

PreventionGenetics, part of Exact Sciences
Classification: Likely benign for OTOGL-related condition. Last evaluated: 2019-04-22. Review status: no assertion criteria provided. Collection method: clinical testing. Allele origin: germline. Not counted in ClinVar's aggregate classification.
Comment: This variant is classified as likely benign based on ACMG/AMP sequence variant interpretation guidelines (Richards et al. 2015 PMID: 25741868, with internal and published modifications).

NM_001378609.3(OTOGL):c.3488A>G (p.Asp1163Gly)

Gene: OTOGL (otogelin like; plus strand). Cytogenetic location: 12q21.31.
Variant type: single nucleotide variant.
Coding change: c.3488A>G on transcript NM_001378609.3 (MANE Select); coding-DNA position 3488, A replaced by G.
Protein change: p.Asp1163Gly; replaces aspartic acid 1163 with glycine.
Molecular consequence: missense variant.
Genome position (GRCh38, 1-based): chr12:80,313,513, A>G. VCF-style: chr12-80313513-A-G. GRCh37 (hg19) VCF-style: chr12-80707293-A-G.
Other names: c.3353A>G, p.Asp1118Gly (NM_001368062.3); c.3488A>G, p.Asp1163Gly (NM_001378610.3, NM_173591.7); short protein forms D1154G, D1118G, D1163G.
Identifiers: ClinVar variation 500879 (VCV000500879.27), dbSNP rs202085918, ClinGen allele CA6701098.